The following is an entry in ClinVar:

ClinVar aggregate classification (germline): Uncertain significance (1 of 4 stars; one submission).

Conditions:
Cardiovascular phenotype. Identifiers: MedGen CN230736.

Submission:

Ambry Genetics
Classification: Uncertain significance for Cardiovascular phenotype. Last evaluated: 2022-03-24. Review status: criteria provided, single submitter. Criteria: Ambry Variant Classification Scheme 2023. Collection method: clinical testing. Allele origin: germline.
Comment: The c.493_495delAAG variant (also known as p.K165del) is located in coding exon 7 of the MYL2 gene. This variant results from an in-frame AAG deletion at nucleotide positions 493 to 495. This results in the in-frame deletion of a lysine at codon 165. This nucleotide position ranges from highly to not well conserved in available vertebrate species. This amino acid position is highly conserved in available vertebrate species. In addition, the in silico prediction for this alteration is inconclusive (Choi Y et al. PLoS ONE. 2012; 7(10):e46688). Since supporting evidence is limited at this time, the clinical significance of this alteration remains unclear.

NM_000432.4(MYL2):c.493_495del (p.Lys165del)

Gene: MYL2 (myosin light chain 2; minus strand). Cytogenetic location: 12q24.11.
Variant type: Deletion.
Coding change: c.493_495del on transcript NM_000432.4 (MANE Select); coding-DNA positions 493 to 495, 3 bases deleted (AAG; older notation c.493_495delAAG).
Protein change: p.Lys165del; deletes lysine 165.
Molecular consequence: inframe deletion. On other transcripts: inframe indel (4).
Genome position (GRCh38, 1-based): chr12:110,911,083-110,911,085, CTT deleted on the plus strand (AAG on the coding strand, the reverse complement: MYL2 is on the minus strand); deleting any 3 consecutive bases within chr12:110,911,083-110,911,087 gives the same sequence; the c. name uses the placement nearest the transcript's 3' end. VCF-style (leftmost placement, unchanged base first): chr12-110911082-CCTT-C. GRCh37 (hg19) VCF-style: chr12-111348886-CCTT-C.
Other names: c.449_451delAGA, p.Lys151del (NM_001406745.1, NM_001406746.1); c.434_436delAGA, p.Lys146del (NM_001406916.1); c.493_495delAAG (NM_000432.3); short protein forms K165del, K146del, K151del.
Identifiers: ClinVar variation 1744203 (VCV001744203.2), dbSNP rs2499805915, ClinGen allele CA2580085794.